The following is an entry in ClinVar:

ClinVar aggregate classification (germline): Likely pathogenic. Review status: criteria provided, multiple submitters, no conflicts (2 of 4 stars). 2 submissions from 2 submitters: Likely pathogenic (2). Last evaluated 2022-08-27.

Conditions:
Hereditary cancer-predisposing syndrome. Also called: Tumor predisposition; Neoplastic Syndromes, Hereditary; Hereditary Cancer Syndrome; Hereditary neoplastic syndrome. Identifiers: Orphanet 140162, MedGen C0027672, MeSH D009386, MONDO:0015356.

Submissions (2):

Labcorp Genetics (formerly Invitae), Labcorp
Classification: Likely pathogenic for Hereditary cancer-predisposing syndrome. Last evaluated: 2022-08-27. Review status: criteria provided, single submitter. Criteria: Invitae Variant Classification Sherloc (09022015). Collection method: clinical testing. Allele origin: germline.
Comment: This variant has not been reported in the literature in individuals affected with RAD50-related conditions. In summary, the currently available evidence indicates that the variant is pathogenic, but additional data are needed to prove that conclusively. Therefore, this variant has been classified as Likely Pathogenic. Algorithms developed to predict the effect of sequence changes on RNA splicing suggest that this variant may disrupt the consensus splice site. This variant is not present in population databases (gnomAD no frequency). This sequence change affects a donor splice site in intron 20 of the RAD50 gene. It is expected to disrupt RNA splicing. Variants that disrupt the donor or acceptor splice site typically lead to a loss of protein function (PMID: 16199547), and loss-of-function variants in RAD50 are known to be pathogenic (PMID: 19409520).

Ambry Genetics
Classification: Likely pathogenic for Hereditary cancer-predisposing syndrome. Last evaluated: 2017-01-12. Review status: criteria provided, single submitter. Criteria: Ambry Variant Classification Scheme 2023. Collection method: clinical testing. Allele origin: germline.
Comment: The c.3164+2T>C intronic variant results from a T to C substitution two nucleotides after coding exon 20 in the RAD50 gene. This nucleotide position is highly conserved in available vertebrate species. Using the BDGP and ESEfinder splice site prediction tools, this alteration is predicted to abolish the native splice donor site; however, direct evidence is unavailable. Alterations that disrupt the canonical splice site are expected to cause aberrant splicing, resulting in an abnormal protein or a transcript that is subject to nonsense-mediated mRNA decay. As such, this alteration is classified as a disease-causing mutation.

Literature cited by the submitters: PubMed 16199547 (cited by Labcorp Genetics (formerly Invitae), Labcorp); PubMed 19409520 (cited by Labcorp Genetics (formerly Invitae), Labcorp).

NM_005732.4(RAD50):c.3164+2T>C

Gene: RAD50 (RAD50 double strand break repair protein; plus strand). Cytogenetic location: 5q31.1.
Variant type: single nucleotide variant.
Coding change: c.3164+2T>C on transcript NM_005732.4 (MANE Select); the canonical splice donor site of the intron after coding-DNA position 3164, T replaced by C.
Molecular consequence: splice donor variant.
Genome position (GRCh38, 1-based): chr5:132,616,132, T>C. VCF-style: chr5-132616132-T-C. GRCh37 (hg19) VCF-style: chr5-131951824-T-C.
Identifiers: ClinVar variation 1728341 (VCV001728341.7), dbSNP rs2479384572, ClinGen allele CA360964004.
Genomic context (GRCh38, chr5:132,616,132, plus strand): 5'-GAAGAAAGAAAACAACATTTGAAGGAAATGGGTCAAATGCAGGTTTTGCAAATGAAAAGG[T>C]ATGCTTTTAAAATAATCTTCAGTTTAAATAAACGTCTTTATTACTGGAATGTGAAGAATA-3'